The following is an entry in ClinVar:

ClinVar aggregate classification (germline): Uncertain significance (1 of 4 stars; one submission).

gnomAD v4.1: 111 of 1,445,828 alleles (0.0077%); highest among the groups gnomAD compares: Non-Finnish European, 0.0095%; no homozygotes.

Submission:

Labcorp Genetics (formerly Invitae), Labcorp
Classification: Uncertain significance. Last evaluated: 2025-07-26. Review status: criteria provided, single submitter. Criteria: Invitae Variant Classification Sherloc (09022015). Collection method: clinical testing. Allele origin: germline.
Comment: This sequence change replaces aspartic acid, which is acidic and polar, with asparagine, which is neutral and polar, at codon 242 of the PKHD1L1 protein (p.Asp242Asn). This variant is present in population databases (rs753434499, gnomAD 0.01%). This variant has not been reported in the literature in individuals affected with PKHD1L1-related conditions. Experimental studies and prediction algorithms are not available or were not evaluated, and the functional significance of this variant is currently unknown. In summary, the available evidence is currently insufficient to determine the role of this variant in disease. Therefore, it has been classified as a Variant of Uncertain Significance.

NM_177531.6(PKHD1L1):c.724G>A (p.Asp242Asn)

Gene: PKHD1L1 (PKHD1 like 1; plus strand). Cytogenetic location: 8q23.1.
Variant type: single nucleotide variant.
Coding change: c.724G>A on transcript NM_177531.6 (MANE Select); coding-DNA position 724, G replaced by A.
Protein change: p.Asp242Asn; replaces aspartic acid 242 with asparagine.
Molecular consequence: missense variant.
Genome position (GRCh38, 1-based): chr8:109,390,478, G>A. VCF-style: chr8-109390478-G-A. GRCh37 (hg19) VCF-style: chr8-110402707-G-A.
Other names: short protein forms D242N.
Identifiers: ClinVar variation 4751153 (VCV004751153.1).